The following is an entry in ClinVar:

ClinVar aggregate classification (germline): Uncertain significance (1 of 4 stars; one submission).

Conditions:
Hereditary cancer-predisposing syndrome. Also called: Neoplastic Syndromes, Hereditary; Hereditary Cancer Syndrome; Hereditary neoplastic syndrome; Tumor predisposition. Identifiers: Orphanet 140162, MedGen C0027672, MeSH D009386, MONDO:0015356.

Submission:

Ambry Genetics
Classification: Uncertain significance for Hereditary cancer-predisposing syndrome. Last evaluated: 2023-04-18. Review status: criteria provided, single submitter. Criteria: Ambry Variant Classification Scheme 2023. Collection method: clinical testing. Allele origin: germline.
Comment: The p.K1638T variant (also known as c.4913A>C), located in coding exon 37 of the TSC2 gene, results from an A to C substitution at nucleotide position 4913. The lysine at codon 1638 is replaced by threonine, an amino acid with similar properties. This amino acid position is conserved. In addition, this alteration is predicted to be deleterious by in silico analysis. Since supporting evidence is limited at this time, the clinical significance of this alteration remains unclear.

NM_000548.5(TSC2):c.4913A>C (p.Lys1638Thr)

Gene: TSC2 (TSC complex subunit 2; plus strand). Cytogenetic location: 16p13.3.
Variant type: single nucleotide variant.
Coding change: c.4913A>C on transcript NM_000548.5 (MANE Select); coding-DNA position 4913, A replaced by C.
Protein change: p.Lys1638Thr; replaces lysine 1638 with threonine.
Molecular consequence: missense variant. On other transcripts: non-coding transcript variant (5).
Genome position (GRCh38, 1-based): chr16:2,086,795, A>C. VCF-style: chr16-2086795-A-C. GRCh37 (hg19) VCF-style: chr16-2136796-A-C.
Other names: c.3371A>C, p.Lys1124Thr (NM_001406694.1, NM_001406692.1, NM_001406693.1); c.3368A>C, p.Lys1123Thr (NM_001406695.1, NM_001406696.1, NM_001406697.1); c.3110A>C, p.Lys1037Thr (NM_001406698.1); c.4784A>C, p.Lys1595Thr (NM_021055.3, NM_001370405.1); c.4712A>C, p.Lys1571Thr (NM_001077183.3); c.4844A>C, p.Lys1615Thr (NM_001114382.3); c.4604A>C, p.Lys1535Thr (NM_001318827.2); c.4568A>C, p.Lys1523Thr (NM_001318829.2); and 26 more; short protein forms K1037T, K1123T, K1167T, K1415T, K1534T, K1535T, K1566T, K1602T.
Identifiers: ClinVar variation 2564707 (VCV002564707.2), dbSNP rs2151586573, ClinGen allele CA394308525.
Genomic context (GRCh38, chr16:2,086,795, plus strand): 5'-TCTTCCACATCGCCACCCTGATGCCCACCAAGGACGTGGACAAGCACCGCTGCGACAAGA[A>C]GCGCCACCTGGGCAACGACTTTGTGTCCATTGTCTACAATGACTCCGGTGAGGACTTCAA-3'
Protein context (NP_000539.2, residues 1628-1648): KDVDKHRCDK[Lys1638Thr]RHLGNDFVSI